The following is an entry in ClinVar:

ClinVar aggregate classification (germline): Uncertain significance (1 of 4 stars; one submission).

gnomAD v4.1: 5 of 1,612,916 alleles (0.00031%); highest among the groups gnomAD compares: Non-Finnish European, 0.00042%; no homozygotes.

Submission:

CeGaT Center for Human Genetics Tuebingen
Classification: Uncertain significance. Last evaluated: 2022-06-01. Review status: criteria provided, single submitter. Criteria: CeGaT Center For Human Genetics Tuebingen Variant Classification Criteria Version 2. Collection method: clinical testing. Allele origin: germline. Affected: yes. Observed: 1 variant allele.
Comment: ZFYVE26: PM2, BP4

NM_015346.4(ZFYVE26):c.5402C>G (p.Ala1801Gly)

Gene: ZFYVE26 (zinc finger FYVE-type containing 26; minus strand). Cytogenetic location: 14q24.1.
Variant type: single nucleotide variant.
Coding change: c.5402C>G on transcript NM_015346.4 (MANE Select); coding-DNA position 5402, C replaced by G.
Protein change: p.Ala1801Gly; replaces alanine 1801 with glycine.
Molecular consequence: missense variant.
Genome position (GRCh38, 1-based): chr14:67,772,129, G>C on the plus strand (C>G on the coding strand, the complement: ZFYVE26 is on the minus strand). VCF-style: chr14-67772129-G-C. GRCh37 (hg19) VCF-style: chr14-68238846-G-C.
Other names: short protein forms A1801G.
Identifiers: ClinVar variation 2644338 (VCV002644338.24), dbSNP rs373003258, ClinGen allele CA390167403.
Genomic context (GRCh38, chr14:67,772,129, plus strand): 5'-CAGACCATGCAGATACTCTCAGTCTCATCCGGTACCCACTGGTGCCTGGCAGGGGGTGTC[G>C]CTGGGGGCACAAATTCCTGTGAGGGCTGGGTTGGTGGGAAACTCCTTTCCCTTAGACTAG-3'
Protein context (NP_056161.2, residues 1791-1811): TQPSQEFVPP[Ala1801Gly]TPPARHQWVP